The following is an entry in ClinVar:

NM_001972.4(ELANE):c.552C>A (p.Ser184Arg)

Gene: ELANE (elastase, neutrophil expressed; plus strand). Cytogenetic location: 19p13.3.
Variant type: single nucleotide variant.
Coding change: c.552C>A on transcript NM_001972.4 (MANE Select); coding-DNA position 552, C replaced by A.
Protein change: p.Ser184Arg; replaces serine 184 with arginine.
Molecular consequence: missense variant.
Genome position (GRCh38, 1-based): chr19:855,749, C>A. VCF-style: chr19-855749-C-A. GRCh37 (hg19) VCF-style: chr19-855749-C-A.
Other names: short protein forms S184R.
Identifiers: ClinVar variation 4618401 (VCV004618401.1).

ClinVar aggregate classification (germline): Uncertain significance (1 of 4 stars; one submission).

Conditions:
Inborn genetic diseases. Identifiers: MedGen C0950123, MeSH D030342.

Submission:

Ambry Genetics
Classification: Uncertain significance for Inborn genetic diseases. Last evaluated: 2025-10-19. Review status: criteria provided, single submitter. Criteria: Ambry Variant Classification Scheme 2023. Collection method: clinical testing. Allele origin: germline.
Comment: The p.S184R variant (also known as c.552C>A), located in coding exon 4 of the ELANE gene, results from a C to A substitution at nucleotide position 552. The serine at codon 184 is replaced by arginine, an amino acid with dissimilar properties. This amino acid position is conserved. In addition, the in silico prediction for this alteration is inconclusive. Based on the available evidence, the clinical significance of this variant remains unclear.